The following is an entry in ClinVar:

NM_019892.6(INPP5E):c.1844T>G (p.Leu615Ter)

Gene: INPP5E (inositol polyphosphate-5-phosphatase E; minus strand). Cytogenetic location: 9q34.3.
Variant type: single nucleotide variant.
Coding change: c.1844T>G on transcript NM_019892.6 (MANE Select); coding-DNA position 1844, T replaced by G.
Protein change: p.Leu615Ter; replaces leucine 615 with a stop codon.
Molecular consequence: nonsense.
Genome position (GRCh38, 1-based): chr9:136,429,766, A>C on the plus strand (T>G on the coding strand, the complement: INPP5E is on the minus strand). VCF-style: chr9-136429766-A-C. GRCh37 (hg19) VCF-style: chr9-139324218-A-C.
Other names: c.1841T>G, p.Leu614Ter (NM_001318502.2); short protein forms L615*, L614*.
Identifiers: ClinVar variation 568818 (VCV000568818.9), dbSNP rs1564430716, ClinGen allele CA375560310.

ClinVar aggregate classification (germline): Pathogenic (1 of 4 stars; one submission).

Conditions:
Joubert syndrome. Also called: Familial aplasia of the vermis; CEREBELLOPARENCHYMAL DISORDER IV; JOUBERT-BOLTSHAUSER SYNDROME. Identifiers: Orphanet 475, MedGen C5979921, MONDO:0018772.

Submission:

Labcorp Genetics (formerly Invitae), Labcorp
Classification: Pathogenic for Joubert syndrome. Last evaluated: 2017-06-18. Review status: criteria provided, single submitter. Criteria: Invitae Variant Classification Sherloc (09022015). Collection method: clinical testing. Allele origin: germline.
Comment: For these reasons, this variant has been classified as Pathogenic. A different truncation downstream of this variant (p.Gln627*) has been determined to be pathogenic (PMID: 19668215). This suggests that deletion of this region of the INPP5E protein is causative of disease. This variant has not been reported in the literature in individuals with INPP5E-related disease. This variant is not present in population databases (ExAC no frequency). This sequence change results in a premature translational stop signal in the INPP5E gene (p.Leu615*). While this is not anticipated to result in nonsense mediated decay, it is expected to delete the last 30 amino acids of the INPP5E protein.

Literature cited by the submitters: PubMed 19668215.